The following is an entry in ClinVar:

NM_024301.5(FKRP):c.608G>A (p.Arg203His)

Gene: FKRP (fukutin related protein; plus strand). Cytogenetic location: 19q13.32.
Variant type: single nucleotide variant.
Coding change: c.608G>A on transcript NM_024301.5 (MANE Select); coding-DNA position 608, G replaced by A.
Protein change: p.Arg203His; replaces arginine 203 with histidine.
Molecular consequence: missense variant.
Genome position (GRCh38, 1-based): chr19:46,756,058, G>A. VCF-style: chr19-46756058-G-A. GRCh37 (hg19) VCF-style: chr19-47259315-G-A.
Other names: c.608G>A, p.Arg203His (NM_001039885.3); short protein forms R203H.
Identifiers: ClinVar variation 575612 (VCV000575612.6), dbSNP rs1568418540, ClinGen allele CA406495657.

ClinVar aggregate classification (germline): Uncertain significance (1 of 4 stars; one submission).

Conditions:
Walker-Warburg congenital muscular dystrophy. Also called: Muscular dystrophy-dystroglycanopathy, type A; Walker-Warburg syndrome. Identifiers: Orphanet 899, MedGen C0265221, MONDO:0000171.

Allele frequency attached by ClinVar (database versions not stated): gnomAD exomes below 0.00001.

Submission:

Labcorp Genetics (formerly Invitae), Labcorp
Classification: Uncertain significance for Walker-Warburg congenital muscular dystrophy. Last evaluated: 2021-08-30. Review status: criteria provided, single submitter. Criteria: Invitae Variant Classification Sherloc (09022015). Collection method: clinical testing. Allele origin: germline.
Comment: This sequence change replaces arginine with histidine at codon 203 of the FKRP protein (p.Arg203His). The arginine residue is highly conserved and there is a small physicochemical difference between arginine and histidine. This variant is not present in population databases (ExAC no frequency). This variant has not been reported in the literature in individuals affected with FKRP-related conditions. Algorithms developed to predict the effect of missense changes on protein structure and function (SIFT, PolyPhen-2, Align-GVGD) all suggest that this variant is likely to be tolerated. In summary, the available evidence is currently insufficient to determine the role of this variant in disease. Therefore, it has been classified as a Variant of Uncertain Significance.